The following is an entry in ClinVar:

NM_198721.4(COL25A1):c.1657-3del

Gene: COL25A1 (collagen type XXV alpha 1 chain; minus strand). Cytogenetic location: 4q25.
Variant type: Deletion.
Coding change: c.1657-3del on transcript NM_198721.4 (MANE Select); 3 bases into the intron before coding-DNA position 1657, one base deleted (T; older notation c.1657-3delT).
Molecular consequence: intron variant.
Genome position (GRCh38, 1-based): chr4:108,832,436, A deleted on the plus strand (T on the coding strand, the reverse complement: COL25A1 is on the minus strand); the first of 8 consecutive A bases (chr4:108,832,436-108,832,443); deleting any one gives the same sequence. VCF-style (leftmost placement, unchanged base first): chr4-108832435-TA-T. GRCh37 (hg19) VCF-style: chr4-109753591-TA-T.
Other names: c.1657-3del (NM_032518.4); c.1693-3del (NM_001256074.3).
Identifiers: ClinVar variation 3035124 (VCV003035124.2), dbSNP rs760493024, ClinGen allele CA3039119.
Genomic context (GRCh38, chr4:108,832,435, plus strand): 5'-CTTACTCTTTCTCCTTTGGGACCTGCAGGGCCATGGGGTCCCATAGGACCATCTGTACCC[TA>T]AAAAAAAGATAATATGAGATATATCACAAGGGCTGCAAGAATAGCAGTTATAATTTATCC-3'

ClinVar aggregate classification (germline): Likely benign (0 of 4 stars; one submission).

Conditions:
COL25A1-related disorder. Also called: COL25A1-related condition.

Submission:

PreventionGenetics, part of Exact Sciences
Classification: Likely benign for COL25A1-related condition. Last evaluated: 2019-08-02. Review status: no assertion criteria provided. Collection method: clinical testing. Allele origin: germline.
Comment: This variant is classified as likely benign based on ACMG/AMP sequence variant interpretation guidelines (Richards et al. 2015 PMID: 25741868, with internal and published modifications).